The following is an entry in ClinVar:

NM_000135.4(FANCA):c.3897G>C (p.Lys1299Asn)

Genes: ZNF276 (zinc finger protein 276; plus strand), FANCA (FA complementation group A; minus strand). Cytogenetic location: 16q24.3.
Variant type: single nucleotide variant.
Coding change: c.3897G>C on transcript NM_000135.4 (MANE Select); coding-DNA position 3897, G replaced by C.
Protein change: p.Lys1299Asn; replaces lysine 1299 with asparagine.
Molecular consequence: missense variant. On other transcripts: 3 prime UTR variant (2), non-coding transcript variant (4).
Genome position (GRCh38, 1-based): chr16:89,740,031, C>G on the plus strand (G>C on the coding strand, the complement: FANCA is on the minus strand). VCF-style: chr16-89740031-C-G. GRCh37 (hg19) VCF-style: chr16-89806439-C-G.
Other names: c.3897G>C, p.Lys1299Asn (NM_001286167.3); c.*1785C>G (NM_001113525.2, NM_152287.4); short protein forms K1299N.
Identifiers: ClinVar variation 2081965 (VCV002081965.6), dbSNP rs151241802, ClinGen allele CA286617801.

ClinVar aggregate classification (germline): Uncertain significance. Review status: criteria provided, multiple submitters, no conflicts (2 of 4 stars). 3 submissions from 3 submitters: Uncertain significance (3). Last evaluated 2025-01-02.

Conditions:
Fanconi anemia complementation group A (FANCA). Also called: FANCA-Related Fanconi Anemia; Fanconi anemia, group A. Identifiers: Orphanet 84, MedGen C3469521, MONDO:0009215, OMIM 227650.
Fanconi anemia (FA). Also called: Fanconi's anemia. Identifiers: Orphanet 84, MedGen C0015625, MeSH D005199, MONDO:0019391.
Inborn genetic diseases. Identifiers: MedGen C0950123, MeSH D030342.

Allele frequency attached by ClinVar (database versions not stated): gnomAD 0.00001.
gnomAD v4.1: 2 of 1,614,064 alleles (0.00012%); highest among the groups gnomAD compares: African/African-American, 0.0027%; no homozygotes.

Submissions (3):

Ambry Genetics
Classification: Uncertain significance for Inborn genetic diseases. Last evaluated: 2025-01-02. Review status: criteria provided, single submitter. Criteria: Ambry Variant Classification Scheme 2023. Collection method: clinical testing. Allele origin: germline.
Comment: The p.K1299N variant (also known as c.3897G>C), located in coding exon 39 of the FANCA gene, results from a G to C substitution at nucleotide position 3897. The lysine at codon 1299 is replaced by asparagine, an amino acid with similar properties. This amino acid position is conserved. In addition, this alteration is predicted to be tolerated by in silico analysis. Based on the available evidence, the clinical significance of this variant remains unclear.

Fulgent Genetics
Classification: Uncertain significance for Fanconi anemia complementation group A. Last evaluated: 2024-01-20. Review status: criteria provided, single submitter. Criteria: ACMG Guidelines, 2015. Collection method: clinical testing. Allele origin: germline.

Labcorp Genetics (formerly Invitae), Labcorp
Classification: Uncertain significance for Fanconi anemia. Last evaluated: 2023-09-08. Review status: criteria provided, single submitter. Criteria: Invitae Variant Classification Sherloc (09022015). Collection method: clinical testing. Allele origin: germline.
Comment: This sequence change replaces lysine, which is basic and polar, with asparagine, which is neutral and polar, at codon 1299 of the FANCA protein (p.Lys1299Asn). This variant is present in population databases (no rsID available, gnomAD 0.01%). This variant has not been reported in the literature in individuals affected with FANCA-related conditions. ClinVar contains an entry for this variant (Variation ID: 2081965). Advanced modeling of protein sequence and biophysical properties (such as structural, functional, and spatial information, amino acid conservation, physicochemical variation, residue mobility, and thermodynamic stability) performed at Invitae indicates that this missense variant is not expected to disrupt FANCA protein function. In summary, the available evidence is currently insufficient to determine the role of this variant in disease. Therefore, it has been classified as a Variant of Uncertain Significance.